The following is an entry in ClinVar:

NM_014244.5(ADAMTS2):c.75_76insATATTGTTAT (p.Pro26fs)

Gene: ADAMTS2 (ADAM metallopeptidase with thrombospondin type 1 motif 2; minus strand). Cytogenetic location: 5q35.3.
Variant type: Insertion.
Coding change: c.75_76insATATTGTTAT on transcript NM_014244.5 (MANE Select); coding-DNA positions 75 to 76, ATATTGTTAT inserted.
Protein change: p.Pro26fs; shifts the reading frame from proline 26.
Molecular consequence: frameshift variant.
Genome position: GRCh38 VCF-style: chr5-179345253-G-GATAACAATAT. GRCh37 (hg19) VCF-style: chr5-178772254-G-GATAACAATAT.
Other names: c.75_76insATATTGTTAT, p.Pro26fs (NM_021599.4); short protein forms P26fs.
Identifiers: ClinVar variation 5011024 (VCV005011024.1).

ClinVar aggregate classification (germline): Pathogenic (1 of 4 stars; one submission).

Conditions:
Ehlers-Danlos syndrome, dermatosparaxis type. Also called: EDS VIIC; Dermatosparaxis; Ehlers-Danlos syndrome, type VII, autosomal recessive. Identifiers: Orphanet 1901, MedGen C2700425, MONDO:0009161, OMIM 225410.

Submission:

Myriad Genetics, Inc.
Classification: Pathogenic for Ehlers-Danlos syndrome, dermatosparaxis type. Last evaluated: 2024-05-14. Review status: criteria provided, single submitter. Criteria: Myriad Autosomal Dominant, Autosomal Recessive and X-Linked Classification Criteria (2023). Collection method: clinical testing. Allele origin: unknown.
Comment: NM_014244.4(ADAMTS2):c.75_76ins10(P26Ifs*43) is expected to be pathogenic in the context of Ehlers-Danlos syndrome, ADAMTS2-related. This variant is predicted to lead to an abnormal or absent protein product due to the creation of a premature termination codon in ADAMTS2, a gene where loss-of-function variants are known to be pathogenic. Please note: this variant was assessed in the context of healthy population screening.